The following is an entry in ClinVar:

ClinVar aggregate classification (germline): Uncertain significance (1 of 4 stars; one submission).

Allele frequency attached by ClinVar (database versions not stated): gnomAD exomes 0.00001.
gnomAD v4.1: 3 of 1,594,456 alleles (0.00019%); highest among the groups gnomAD compares: Non-Finnish European, 0.00026%; no homozygotes.

Submission:

Labcorp Genetics (formerly Invitae), Labcorp
Classification: Uncertain significance. Last evaluated: 2025-07-31. Review status: criteria provided, single submitter. Criteria: Invitae Variant Classification Sherloc (09022015). Collection method: clinical testing. Allele origin: germline.
Comment: This sequence change replaces alanine, which is neutral and non-polar, with aspartic acid, which is acidic and polar, at codon 827 of the SLC9A3 protein (p.Ala827Asp). This variant is not present in population databases (gnomAD no frequency). This variant has not been reported in the literature in individuals affected with SLC9A3-related conditions. ClinVar contains an entry for this variant (Variation ID: 2065002). An algorithm developed to predict the effect of missense changes on protein structure and function (PolyPhen-2) suggests that this variant is likely to be tolerated. In summary, the available evidence is currently insufficient to determine the role of this variant in disease. Therefore, it has been classified as a Variant of Uncertain Significance.

NM_004174.4(SLC9A3):c.2480C>A (p.Ala827Asp)

Genes: SLC9A3 (solute carrier family 9 member A3), SLC9A3-AS1 (SLC9A3 antisense RNA 1; plus strand). Cytogenetic location: 5p15.33.
Variant type: single nucleotide variant.
Coding change: c.2480C>A on transcript NM_004174.4 (MANE Select); coding-DNA position 2480, C replaced by A.
Protein change: p.Ala827Asp; replaces alanine 827 with aspartic acid.
Molecular consequence: missense variant.
Genome position (GRCh38, 1-based): chr5:474,904, G>T on the plus strand (C>A on the coding strand, the complement: SLC9A3 is on the minus strand). VCF-style: chr5-474904-G-T. GRCh37 (hg19) VCF-style: chr5-475019-G-T.
Other names: c.2453C>A, p.Ala818Asp (NM_001284351.3); short protein forms A827D, A818D.
Identifiers: ClinVar variation 2065002 (VCV002065002.4), dbSNP rs1738614553, ClinGen allele CA359022738.